The following is an entry in ClinVar:

NM_181523.3(PIK3R1):c.1349A>G (p.His450Arg)

Gene: PIK3R1 (phosphoinositide-3-kinase regulatory subunit 1; plus strand). Cytogenetic location: 5q13.1.
Variant type: single nucleotide variant.
Coding change: c.1349A>G on transcript NM_181523.3 (MANE Select); coding-DNA position 1349, A replaced by G.
Protein change: p.His450Arg; replaces histidine 450 with arginine.
Molecular consequence: missense variant.
Genome position (GRCh38, 1-based): chr5:68,293,758, A>G. VCF-style: chr5-68293758-A-G. GRCh37 (hg19) VCF-style: chr5-67589586-A-G.
Other names: c.260A>G, p.His87Arg (NM_001242466.2); c.539A>G, p.His180Arg (NM_181504.4); c.449A>G, p.His150Arg (NM_181524.2); short protein forms H150R, H180R, H450R, H87R.
Identifiers: ClinVar variation 3750643 (VCV003750643.2).

ClinVar aggregate classification (germline): Uncertain significance (1 of 4 stars; one submission).

Conditions:
Agammaglobulinemia 7, autosomal recessive (AGM7). Also called: AGAMMAGLOBULINEMIA, AUTOSOMAL RECESSIVE, DUE TO PIK3R1 DEFECT. Identifiers: MedGen C3554689, MONDO:0014083, OMIM 615214.
Immunodeficiency 36 with lymphoproliferation. Also called: Immunodeficiency 36; ACTIVATED PI3K-DELTA SYNDROME 2; Activated PI3K Delta Syndrome Type 2 (APDS2). Identifiers: Orphanet 397596, Orphanet 693681, MedGen C4014934, MONDO:0014453, OMIM 616005.
SHORT syndrome. Also called: SHORT STATURE, HYPEREXTENSIBILITY, HERNIA, OCULAR DEPRESSION, RIEGER ANOMALY, AND TEETHING DELAY; LIPODYSTROPHY, PARTIAL, WITH RIEGER ANOMALY AND SHORT STATURE; PIK3R1-Related SHORT Syndrome. Identifiers: Orphanet 3163, MedGen C0878684, MONDO:0010026, OMIM 269880.

gnomAD v4.1: 4 of 1,536,490 alleles (0.00026%); highest among the groups gnomAD compares: East Asian, 0.0023%; no homozygotes.

Submission:

Labcorp Genetics (formerly Invitae), Labcorp
Classification: Uncertain significance for SHORT syndrome; Immunodeficiency 36 with lymphoproliferation; Agammaglobulinemia 7, autosomal recessive. Last evaluated: 2024-10-15. Review status: criteria provided, single submitter. Criteria: Invitae Variant Classification Sherloc (09022015). Collection method: clinical testing. Allele origin: germline.
Comment: This sequence change replaces histidine, which is basic and polar, with arginine, which is basic and polar, at codon 450 of the PIK3R1 protein (p.His450Arg). This variant is not present in population databases (gnomAD no frequency). This variant has not been reported in the literature in individuals affected with PIK3R1-related conditions. Invitae Evidence Modeling of protein sequence and biophysical properties (such as structural, functional, and spatial information, amino acid conservation, physicochemical variation, residue mobility, and thermodynamic stability) indicates that this missense variant is not expected to disrupt PIK3R1 protein function with a negative predictive value of 80%. In summary, the available evidence is currently insufficient to determine the role of this variant in disease. Therefore, it has been classified as a Variant of Uncertain Significance.